The following is an entry in ClinVar:

ClinVar aggregate classification (germline): Uncertain significance. Review status: criteria provided, multiple submitters, no conflicts (2 of 4 stars). 4 submissions from 4 submitters: Uncertain significance (4). Last evaluated 2025-12-19.

Conditions:
Cardiomyopathy (CMYO). Also called: Cardiomyopathies. Identifiers: Orphanet 167848, MedGen C0878544, MONDO:0004994, HP:0001638. Inheritance: Various modes of inheritance.
Catecholaminergic polymorphic ventricular tachycardia 1. Also called: VENTRICULAR TACHYCARDIA, STRESS-INDUCED POLYMORPHIC 1; VENTRICULAR TACHYCARDIA, CATECHOLAMINERGIC POLYMORPHIC, 1, WITH OR WITHOUT ATRIAL DYSFUNCTION AND/OR DILATED CARDIOMYOPATHY; RYR2-Related Catecholaminergic Polymorphic Ventricular Tachycardia. Identifiers: Orphanet 3286, MedGen C1631597, MONDO:0011484, OMIM 604772.

Allele frequency attached by ClinVar (database versions not stated): TOPMed below 0.00001; gnomAD 0.00001.
gnomAD v4.1: 3 of 1,579,220 alleles (0.00019%); highest among the groups gnomAD compares: Non-Finnish European, 0.00026%; no homozygotes.

Submissions (4):

Women's Health and Genetics/Laboratory Corporation of America, LabCorp
Classification: Uncertain significance. Last evaluated: 2025-12-19. Review status: criteria provided, single submitter. Criteria: LabCorp Variant Classification Summary - May 2015. Collection method: clinical testing. Allele origin: germline.
Comment: Variant summary: RYR2 c.1828G>T (p.Val610Phe) results in a non-conservative amino acid change in the encoded protein sequence. Algorithms developed to predict the effect of missense changes on protein structure and function all suggest that this variant is likely to be disruptive. Consensus agreement among computation tools predict no significant impact on normal splicing. However, these predictions have yet to be confirmed by functional studies. The variant was absent in 190846 control chromosomes. The available data on variant occurrences in the general population are insufficient to allow any conclusion about variant significance. To our knowledge, no occurrence of c.1828G>T in individuals affected with RYR2-related conditions and no experimental evidence demonstrating its impact on protein function have been reported. ClinVar contains an entry for this variant (Variation ID: 1171251). Based on the evidence outlined above, the variant was classified as uncertain significance.

Labcorp Genetics (formerly Invitae), Labcorp
Classification: Uncertain significance for Catecholaminergic polymorphic ventricular tachycardia 1. Last evaluated: 2025-12-16. Review status: criteria provided, single submitter. Criteria: Invitae Variant Classification Sherloc (09022015). Collection method: clinical testing. Allele origin: germline.
Comment: This sequence change replaces valine, which is neutral and non-polar, with phenylalanine, which is neutral and non-polar, at codon 610 of the RYR2 protein (p.Val610Phe). This variant is present in population databases (no rsID available, gnomAD 0.007%). This variant has not been reported in the literature in individuals affected with RYR2-related conditions. ClinVar contains an entry for this variant (Variation ID: 1171251). An algorithm developed to predict the effect of missense changes on protein structure and function (PolyPhen-2) suggests that this variant is likely to be disruptive. In summary, the available evidence is currently insufficient to determine the role of this variant in disease. Therefore, it has been classified as a Variant of Uncertain Significance.

GeneDx
Classification: Uncertain significance. Last evaluated: 2025-06-11. Review status: criteria provided, single submitter. Criteria: GeneDx Variant Classification Process June 2021. Collection method: clinical testing. Allele origin: germline. Affected: yes.
Comment: Not observed at significant frequency in large population cohorts (gnomAD); In silico analysis supports that this missense variant has a deleterious effect on protein structure/function; Has not been previously published as pathogenic or benign to our knowledge; In silico analysis suggests this variant may impact gene splicing. In the absence of RNA/functional studies, the actual effect of this sequence change is unknown.; This variant is associated with the following publications: (PMID: 19926015)

Color Diagnostics, LLC DBA Color Health
Classification: Uncertain significance for Cardiomyopathy. Last evaluated: 2024-03-04. Review status: criteria provided, single submitter. Criteria: ACMG Guidelines, 2015. Collection method: clinical testing. Allele origin: germline.
Comment: This missense variant replaces valine with phenylalanine at codon 610 of the RYR2 protein. Computational prediction is inconclusive regarding the impact of this variant on protein structure and function. To our knowledge, functional studies have not been reported for this variant. This variant has not been reported in individuals affected with cardiovascular disorders in the literature. This variant has been identified in 1/31352 chromosomes in the general population by the Genome Aggregation Database (gnomAD). The available evidence is insufficient to determine the role of this variant in disease conclusively. Therefore, this variant is classified as a Variant of Uncertain Significance.

NM_001035.3(RYR2):c.1828G>T (p.Val610Phe)

Gene: RYR2 (ryanodine receptor 2; plus strand). Cytogenetic location: 1q43.
Variant type: single nucleotide variant.
Coding change: c.1828G>T on transcript NM_001035.3 (MANE Select); coding-DNA position 1828, G replaced by T.
Protein change: p.Val610Phe; replaces valine 610 with phenylalanine.
Molecular consequence: missense variant.
Genome position (GRCh38, 1-based): chr1:237,492,954, G>T. VCF-style: chr1-237492954-G-T. GRCh37 (hg19) VCF-style: chr1-237656254-G-T.
Other names: c.1828G>T (NM_001035.2); short protein forms V610F.
Identifiers: ClinVar variation 1171251 (VCV001171251.6), dbSNP rs1304783030, ClinGen allele CA345389169.